The following is an entry in ClinVar:

ClinVar aggregate classification (germline): Uncertain significance. Review status: criteria provided, multiple submitters, no conflicts (2 of 4 stars). 2 submissions from 2 submitters: Uncertain significance (2). Last evaluated 2024-04-23.

Conditions:
Inborn genetic diseases. Identifiers: MedGen C0950123, MeSH D030342.
Hyperphosphatasia with impaired intellectual development syndrome 2. Also called: Hyperphosphatasia with intellectual disability syndrome 2; GLYCOSYLPHOSPHATIDYLINOSITOL BIOSYNTHESIS DEFECT 6. Identifiers: Orphanet 247262, MedGen C3553637, MONDO:0013882, OMIM 614749.

Allele frequency attached by ClinVar (database versions not stated): TOPMed below 0.00001.

Submissions (2):

Ambry Genetics
Classification: Uncertain significance for Inborn genetic diseases. Last evaluated: 2024-04-23. Review status: criteria provided, single submitter. Criteria: Ambry Variant Classification Scheme 2023. Collection method: clinical testing. Allele origin: germline.

Labcorp Genetics (formerly Invitae), Labcorp
Classification: Uncertain significance for Hyperphosphatasia with impaired intellectual development syndrome 2. Last evaluated: 2021-09-01. Review status: criteria provided, single submitter. Criteria: Invitae Variant Classification Sherloc (09022015). Collection method: clinical testing. Allele origin: germline.
Comment: This sequence change replaces threonine with alanine at codon 145 of the PIGO protein (p.Thr145Ala). The threonine residue is highly conserved and there is a small physicochemical difference between threonine and alanine. This variant is not present in population databases (ExAC no frequency). This variant has not been reported in the literature in individuals affected with PIGO-related conditions. Algorithms developed to predict the effect of missense changes on protein structure and function (SIFT, PolyPhen-2, Align-GVGD) all suggest that this variant is likely to be disruptive. In summary, the available evidence is currently insufficient to determine the role of this variant in disease. Therefore, it has been classified as a Variant of Uncertain Significance.

NM_032634.4(PIGO):c.433A>G (p.Thr145Ala)

Gene: PIGO (phosphatidylinositol glycan anchor biosynthesis class O; minus strand). Cytogenetic location: 9p13.3.
Variant type: single nucleotide variant.
Coding change: c.433A>G on transcript NM_032634.4 (MANE Select); coding-DNA position 433, A replaced by G.
Protein change: p.Thr145Ala; replaces threonine 145 with alanine.
Molecular consequence: missense variant.
Genome position (GRCh38, 1-based): chr9:35,095,133, T>C on the plus strand (A>G on the coding strand, the complement: PIGO is on the minus strand). VCF-style: chr9-35095133-T-C. GRCh37 (hg19) VCF-style: chr9-35095130-T-C.
Other names: c.433A>G (NM_032634.3); c.433A>G, p.Thr145Ala (NM_001201484.2, NM_152850.4); short protein forms T145A.
Identifiers: ClinVar variation 1035208 (VCV001035208.6), dbSNP rs1038361434, ClinGen allele CA192716270.